The following is an entry in ClinVar:

ClinVar aggregate classification (germline): Benign (1 of 4 stars; one submission).

Conditions:
Seizures, benign familial infantile, 3 (BFIS3). Also called: CONVULSIONS, BENIGN FAMILIAL INFANTILE, 3; Familial neonatal seizures. Identifiers: Orphanet 140927, Orphanet 306, MedGen C1843140, MONDO:0011904, OMIM 607745.

Allele frequency attached by ClinVar (database versions not stated): 1000 Genomes Project 0.01657; 1000 Genomes Project 30x 0.01671; gnomAD 0.01799 and 0.01941; TOPMed 0.02080.

Submission:

Illumina Laboratory Services, Illumina
Classification: Benign for Seizures, benign familial infantile, 3. Last evaluated: 2018-01-12. Review status: criteria provided, single submitter. Criteria: ICSL Variant Classification Criteria 13 December 2019. Collection method: clinical testing. Allele origin: germline.
Comment: This variant was observed in the ICSL laboratory as part of a predisposition screen in an ostensibly healthy population. It had not been previously curated by ICSL or reported in the Human Gene Mutation Database (HGMD: prior to June 1st, 2018), and was therefore a candidate for classification through an automated scoring system. Utilizing variant allele frequency, disease prevalence and penetrance estimates, and inheritance mode, an automated score was calculated to assess if this variant is too frequent to cause the disease. Based on the score and internal cut-off values, a variant classified as benign is not then subjected to further curation. The score for this variant resulted in a classification of benign for this disease.

NM_001040142.2(SCN2A):c.*2422G>T

Gene: SCN2A (sodium voltage-gated channel alpha subunit 2; plus strand). Cytogenetic location: 2q24.3.
Variant type: single nucleotide variant.
Coding change: c.*2422G>T on transcript NM_001040142.2 (MANE Select); 2422 bases downstream of the stop codon, G replaced by T.
Molecular consequence: 3 prime UTR variant.
Genome position (GRCh38, 1-based): chr2:165,392,246, G>T. VCF-style: chr2-165392246-G-T. GRCh37 (hg19) VCF-style: chr2-166248756-G-T.
Other names: c.*2422G>T (NM_001040143.2, NM_001371246.1, NM_001371247.1 and 1 more transcripts).
Identifiers: ClinVar variation 331765 (VCV000331765.5), dbSNP rs73972503, ClinGen allele CA10612689.